The following is an entry in ClinVar:

NM_006059.4(LAMC3):c.4068G>A (p.Ala1356=)

Gene: LAMC3 (laminin subunit gamma 3; plus strand). Cytogenetic location: 9q34.12.
Variant type: single nucleotide variant.
Coding change: c.4068G>A on transcript NM_006059.4 (MANE Select); coding-DNA position 4068, G replaced by A.
Protein change: p.Ala1356=; no amino-acid change (alanine 1356 retained).
Molecular consequence: synonymous variant.
Genome position (GRCh38, 1-based): chr9:131,085,561, G>A. VCF-style: chr9-131085561-G-A. GRCh37 (hg19) VCF-style: chr9-133960948-G-A.
Identifiers: ClinVar variation 283849 (VCV000283849.23), dbSNP rs377618961, ClinGen allele CA5288046.

ClinVar aggregate classification (germline): Benign/Likely benign. Review status: criteria provided, multiple submitters, no conflicts (2 of 4 stars). 6 submissions from 6 submitters: Benign (2); Likely benign (3). 1 of the submissions does not count toward it. Last evaluated 2025-11-23.

Conditions:
LAMC3-related disorder. Also called: LAMC3-related condition.

Allele frequency attached by ClinVar (database versions not stated): ESP Exome Variant Server 0.00008; gnomAD 0.00008 and 0.00019; TOPMed 0.00014; gnomAD exomes 0.00037 and 0.00069; ExAC 0.00072; 1000 Genomes Project 30x 0.00078; 1000 Genomes Project 0.00080.
gnomAD v4.1: 571 of 1,614,050 alleles (0.035%); highest among the groups gnomAD compares: South Asian, 0.51%; 4 homozygotes.

Submissions (6):

Labcorp Genetics (formerly Invitae), Labcorp
Classification: Benign. Last evaluated: 2025-11-23. Review status: criteria provided, single submitter. Criteria: Invitae Variant Classification Sherloc (09022015). Collection method: clinical testing. Allele origin: germline.

CeGaT Center for Human Genetics Tuebingen
Classification: Likely benign. Last evaluated: 2025-04-01. Review status: criteria provided, single submitter. Criteria: CeGaT Center For Human Genetics Tuebingen Variant Classification Criteria Version 2. Collection method: clinical testing. Allele origin: germline. Affected: yes. Observed: 1 variant allele.
Comment: LAMC3: BP4, BP7

Blueprint Genetics
Classification: Likely benign. Last evaluated: 2024-10-28. Review status: criteria provided, single submitter. Criteria: ACMG Guidelines, 2015. Collection method: clinical testing. Allele origin: germline.

GeneDx
Classification: Likely benign. Last evaluated: 2020-03-15. Review status: criteria provided, single submitter. Criteria: GeneDx Variant Classification Process June 2021. Collection method: clinical testing. Allele origin: germline. Affected: yes.

Eurofins Ntd Llc (ga)
Classification: Benign. Last evaluated: 2015-10-14. Review status: criteria provided, single submitter. Criteria: EGL Classification Definitions 2015. Collection method: clinical testing. Allele origin: germline. Observed: 1 variant allele, 1 heterozygote.

PreventionGenetics, part of Exact Sciences
Classification: Likely benign for LAMC3-related condition. Last evaluated: 2019-06-28. Review status: no assertion criteria provided. Collection method: clinical testing. Allele origin: germline. Not counted in ClinVar's aggregate classification.
Comment: This variant is classified as likely benign based on ACMG/AMP sequence variant interpretation guidelines (Richards et al. 2015 PMID: 25741868, with internal and published modifications).